The following is an entry in ClinVar:

ClinVar aggregate classification (germline): Uncertain significance (1 of 4 stars; one submission).

Conditions:
Inborn genetic diseases. Identifiers: MedGen C0950123, MeSH D030342.

gnomAD v4.1: 10 of 1,575,544 alleles (0.00063%); highest among the groups gnomAD compares: African/African-American, 0.0013%; no homozygotes.

Submission:

Ambry Genetics
Classification: Uncertain significance for Inborn genetic diseases. Last evaluated: 2026-07-06. Review status: criteria provided, single submitter. Criteria: Ambry Variant Classification Scheme 2023. Collection method: clinical testing. Allele origin: germline.
Comment: The p.A246E variant (also known as c.737C>A), located in coding exon 5 of the RUNX1 gene, results from a C to A substitution at nucleotide position 737. The alanine at codon 246 is replaced by glutamic acid, an amino acid with dissimilar properties. This amino acid position is conserved. In addition, this alteration is predicted to be tolerated by in silico analysis. Based on the available evidence, the clinical significance of this variant remains unclear.

NM_001754.5(RUNX1):c.805+12726C>A

Gene: RUNX1 (RUNX family transcription factor 1; minus strand). Cytogenetic location: 21q22.12.
Variant type: single nucleotide variant.
Coding change: c.805+12726C>A on transcript NM_001754.5 (MANE Select); 12726 bases into the intron after coding-DNA position 805, C replaced by A.
Molecular consequence: intron variant. On other transcripts: missense variant (1).
Genome position (GRCh38, 1-based): chr21:34,821,684, G>T on the plus strand (C>A on the coding strand, the complement: RUNX1 is on the minus strand). VCF-style: chr21-34821684-G-T. GRCh37 (hg19) VCF-style: chr21-36193981-G-T.
Other names: c.737C>A, p.Ala246Glu (NM_001122607.2); c.724+12726C>A (NM_001001890.3); short protein forms A246E.
Identifiers: ClinVar variation 5028587 (VCV005028587.1).
Genomic context (GRCh38, chr21:34,821,684, plus strand): 5'-ATCCTGGCTGGGGAGAGGGATGGACAGAAGAACTGACTTCTGCCTTAACATCTCCAGGGT[G>T]CTGTGTCTTCCTCTGAGGGAGCCATGTGTGACCAGGGAGAAAGTTCGAAAATAAGGACAA-3'